The following is an entry in ClinVar:

NM_032620.4(GTPBP3):c.749T>C (p.Val250Ala)

Gene: GTPBP3 (GTP binding protein 3, mitochondrial; plus strand). Cytogenetic location: 19p13.11.
Variant type: single nucleotide variant.
Coding change: c.749T>C on transcript NM_032620.4 (MANE Select); coding-DNA position 749, T replaced by C.
Protein change: p.Val250Ala; replaces valine 250 with alanine.
Molecular consequence: missense variant.
Genome position (GRCh38, 1-based): chr19:17,339,207, T>C. VCF-style: chr19-17339207-T-C. GRCh37 (hg19) VCF-style: chr19-17450016-T-C.
Other names: p.Val282Ala; c.749T>C, p.Val250Ala (NM_001128855.3); c.815T>C, p.Val272Ala (NM_001195422.1); c.845T>C, p.Val282Ala (NM_133644.4); short protein forms V272A, V282A, V250A.
Identifiers: ClinVar variation 379977 (VCV000379977.15), dbSNP rs3810206, ClinGen allele CA9293483.

ClinVar aggregate classification (germline): Benign. Review status: criteria provided, multiple submitters, no conflicts (2 of 4 stars). 6 submissions from 6 submitters: Benign (6). Last evaluated 2026-02-04.

Conditions:
Combined oxidative phosphorylation defect type 23. Also called: Combined oxidative phosphorylation deficiency 23. Identifiers: Orphanet 444013, MedGen C5567743, MONDO:0014525, OMIM 616198.

Allele frequency attached by ClinVar (database versions not stated): 1000 Genomes Project 0.62240; 1000 Genomes Project 30x 0.62867; gnomAD exomes 0.65233 and 0.69702; ExAC 0.66445; TOPMed 0.70752; gnomAD 0.72722 and 0.73925; ESP Exome Variant Server 0.75673.

Submissions (6):

Labcorp Genetics (formerly Invitae), Labcorp
Classification: Benign. Last evaluated: 2026-02-04. Review status: criteria provided, single submitter. Criteria: Invitae Variant Classification Sherloc (09022015). Collection method: clinical testing. Allele origin: germline.

Blueprint Genetics
Classification: Benign. Last evaluated: 2024-11-28. Review status: criteria provided, single submitter. Criteria: ACMG Guidelines, 2015. Collection method: clinical testing. Allele origin: germline.

Mayo Clinic Laboratories, Mayo Clinic
Classification: Benign. Last evaluated: 2022-10-27. Review status: criteria provided, single submitter. Criteria: ACMG Guidelines, 2015. Collection method: clinical testing. Allele origin: germline. Observed: 229 variant alleles.

Genome-Nilou Lab
Classification: Benign for Combined oxidative phosphorylation defect type 23. Last evaluated: 2021-08-10. Review status: criteria provided, single submitter. Criteria: ACMG Guidelines, 2015. Collection method: clinical testing. Allele origin: germline. Affected: no.

GeneDx
Classification: Benign. Last evaluated: 2015-12-02. Review status: criteria provided, single submitter. Criteria: GeneDx Variant Classification (06012015). Collection method: clinical testing. Allele origin: germline. Affected: yes.
Comment: This variant is considered likely benign or benign based on one or more of the following criteria: it is a conservative change, it occurs at a poorly conserved position in the protein, it is predicted to be benign by multiple in silico algorithms, and/or has population frequency not consistent with disease.

Breakthrough Genomics
Classification: Benign. Review status: criteria provided, single submitter. Criteria: ACMG Guidelines, 2015. Collection method: not provided. Allele origin: germline. Inheritance: Autosomal recessive inheritance. Affected: yes.